The following is an entry in ClinVar:

ClinVar aggregate classification (germline): Pathogenic (1 of 4 stars; one submission).

Conditions:
Axenfeld-Rieger syndrome type 3 (RIEG3). Also called: AXENFELD-RIEGER ANOMALY WITH CARDIAC DEFECTS AND/OR SENSORINEURAL HEARING LOSS. Identifiers: Orphanet 782, MedGen C2678503, MONDO:0011233, OMIM 602482.

Submission:

Labcorp Genetics (formerly Invitae), Labcorp
Classification: Pathogenic for Axenfeld-Rieger syndrome type 3. Last evaluated: 2024-03-20. Review status: criteria provided, single submitter. Criteria: Invitae Variant Classification Sherloc (09022015). Collection method: clinical testing. Allele origin: germline.
Comment: This sequence change creates a premature translational stop signal (p.Pro205Serfs*115) in the FOXC1 gene. While this is not anticipated to result in nonsense mediated decay, it is expected to disrupt the last 349 amino acid(s) of the FOXC1 protein. This variant is not present in population databases (gnomAD no frequency). This variant has not been reported in the literature in individuals affected with FOXC1-related conditions. This variant disrupts a region of the FOXC1 protein in which other variant(s) (p.Tyr497*) have been determined to be pathogenic (PMID: 28513611; Invitae). This suggests that this is a clinically significant region of the protein, and that variants that disrupt it are likely to be disease-causing. For these reasons, this variant has been classified as Pathogenic.

Literature cited by the submitters: PubMed 28513611.

NM_001453.3(FOXC1):c.598_611dup (p.Pro205fs)

Gene: FOXC1 (forkhead box C1; plus strand). Cytogenetic location: 6p25.3.
Variant type: Duplication.
Coding change: c.598_611dup on transcript NM_001453.3 (MANE Select); coding-DNA positions 598 to 611, 14 bases duplicated (CAGCCCCCGCCCGC).
Protein change: p.Pro205fs; shifts the reading frame from proline 205.
Molecular consequence: frameshift variant.
Genome position (GRCh38, 1-based): chr6:1,611,043-1,611,056, CAGCCCCCGCCCGC duplicated; duplicating any 14 consecutive bases within chr6:1,611,039-1,611,056 gives the same sequence; the c. name uses the placement nearest the transcript's 3' end. VCF-style (leftmost placement, unchanged base first): chr6-1611038-G-GCCGCCAGCCCCCGC. GRCh37 (hg19) VCF-style: chr6-1611273-G-GCCGCCAGCCCCCGC.
Other names: short protein forms P205fs.
Identifiers: ClinVar variation 3645220 (VCV003645220.2).